The following is an entry in ClinVar:

ClinVar aggregate classification (germline): Pathogenic (1 of 4 stars; one submission).

Submission:

ARUP Laboratories, Molecular Genetics and Genomics, ARUP Laboratories
Classification: Pathogenic. Last evaluated: 2022-03-09. Review status: criteria provided, single submitter. Criteria: ARUP Molecular Germline Variant Investigation Process 2021. Collection method: clinical testing. Allele origin: germline.
Comment: The NF1 c.3850delA; p.Ile1284Ter variant, also published as c.3847delA, is reported in the literature in at least one individual with NF1 and optic glioma (De Luca 2004, Melloni 2019). This variant deletes a single nucleotide, leading to an immediate early termination codon and is predicted to result in a truncated protein or mRNA subject to nonsense-mediated decay. Additionally, several downstream truncating variants have been described in individuals with NF1 and are considered pathogenic (De Luca 2004). Based on available information, this variant is classified as pathogenic. References: De Luca A et al. Novel and recurrent mutations in the NF1 gene in Italian patients with neurofibromatosis type 1. Hum Mutat. 2004 Jun;23(6):629. PMID: 15146469. Melloni G et al. Risk of Optic Pathway Glioma in Neurofibromatosis Type 1: No Evidence of Genotype-Phenotype Correlations in A Large Independent Cohort. Cancers (Basel). 2019 Nov 21;11(12):1838. PMID: 31766501.

NM_001042492.3(NF1):c.3850del (p.Lys1283_Ile1284insTer)

Gene: NF1 (neurofibromin 1; plus strand). Cytogenetic location: 17q11.2.
Variant type: Deletion.
Coding change: c.3850del on transcript NM_001042492.3 (MANE Select); coding-DNA position 3850, one base deleted (A; older notation c.3850delA).
Protein change: p.Lys1283_Ile1284insTer.
Molecular consequence: nonsense. On other transcripts: frameshift variant (1).
Genome position (GRCh38, 1-based): chr17:31,235,752, A deleted; the last of 4 consecutive A bases (chr17:31,235,749-31,235,752); deleting any one gives the same sequence. VCF-style (leftmost placement, unchanged base first): chr17-31235748-TA-T. GRCh37 (hg19) VCF-style: chr17-29562766-TA-T.
Other names: c.3850delA, p.Ile1284Terfs (NM_000267.4).
Identifiers: ClinVar variation 2428640 (VCV002428640.3), dbSNP rs2151438021, ClinGen allele CA2580093100.